The following is an entry in ClinVar:

ClinVar aggregate classification (germline): Uncertain significance (1 of 4 stars; one submission).

Conditions:
Adams-Oliver syndrome 5 (AOS5). Identifiers: Orphanet 974, MedGen C4014970, MONDO:0014459, OMIM 616028.

Submission:

Labcorp Genetics (formerly Invitae), Labcorp
Classification: Uncertain significance for Adams-Oliver syndrome 5. Last evaluated: 2022-05-06. Review status: criteria provided, single submitter. Criteria: Invitae Variant Classification Sherloc (09022015). Collection method: clinical testing. Allele origin: germline.
Comment: In summary, the available evidence is currently insufficient to determine the role of this variant in disease. Therefore, it has been classified as a Variant of Uncertain Significance. Experimental studies and prediction algorithms are not available or were not evaluated, and the functional significance of this variant is currently unknown. This variant has been observed in individual(s) with tetralogy of Fallot (PMID: 30582441). This variant is not present in population databases (gnomAD no frequency). This variant, c.436_450dup, results in the insertion of 5 amino acid(s) of the NOTCH1 protein (p.Ser146_Ala150dup), but otherwise preserves the integrity of the reading frame.

Literature cited by the submitters: PubMed 30582441.

NM_017617.5(NOTCH1):c.436_450dup (p.Ala150_Asn151insSerAsnProCysAla)

Gene: NOTCH1 (notch receptor 1; minus strand). Cytogenetic location: 9q34.3.
Variant type: Duplication.
Coding change: c.436_450dup on transcript NM_017617.5 (MANE Select); coding-DNA positions 436 to 450, 15 bases duplicated (TCCAACCCCTGCGCC).
Protein change: p.Ala150_Asn151insSerAsnProCysAla.
Molecular consequence: inframe insertion.
Genome position (GRCh38, 1-based): chr9:136,523,142-136,523,156, GGCGCAGGGGTTGGA duplicated on the plus strand (TCCAACCCCTGCGCC on the coding strand, the reverse complement: NOTCH1 is on the minus strand); duplicating any 15 consecutive bases within chr9:136,523,142-136,523,162 gives the same sequence; the c. name uses the placement nearest the transcript's 3' end. VCF-style (leftmost placement, unchanged base first): chr9-136523141-T-TGGCGCAGGGGTTGGA. GRCh37 (hg19) VCF-style: chr9-139417593-T-TGGCGCAGGGGTTGGA.
Identifiers: ClinVar variation 2169548 (VCV002169548.4), dbSNP rs2540468533, ClinGen allele CA2580081091.